The following is an entry in ClinVar:

NM_004004.6(GJB2):c.478G>A (p.Gly160Ser)

Gene: GJB2 (gap junction protein beta 2; minus strand). Cytogenetic location: 13q12.11.
Variant type: single nucleotide variant.
Coding change: c.478G>A on transcript NM_004004.6 (MANE Select); coding-DNA position 478, G replaced by A.
Protein change: p.Gly160Ser; replaces glycine 160 with serine.
Molecular consequence: missense variant.
Genome position (GRCh38, 1-based): chr13:20,189,104, C>T on the plus strand (G>A on the coding strand, the complement: GJB2 is on the minus strand). VCF-style: chr13-20189104-C-T. GRCh37 (hg19) VCF-style: chr13-20763243-C-T.
Other names: short protein forms G160S.
Identifiers: ClinVar variation 44755 (VCV000044755.87), dbSNP rs34988750, ClinGen allele CA134977.

ClinVar aggregate classification (germline): Conflicting classifications of pathogenicity. Review status: criteria provided, conflicting classifications (1 of 4 stars). 23 submissions from 18 submitters: Uncertain significance (9); Benign (3); Likely benign (9). 2 of the submissions do not count toward it. Last evaluated 2026-01-21.

Conditions:
Nonsyndromic Deafness. Also called: Non-syndromic hearing loss; Nonsyndromic hearing loss. Identifiers: MedGen C3711374, MeSH C580334.
GJB2-related disorder. Also called: GJB2-related condition; GJB2-related disorders. Identifiers: MedGen CN382183, MONDO:1060236.
Nonsyndromic genetic hearing loss. Also called: Nonsyndromic hearing loss and deafness; Non-syndromic genetic deafness; Nonsyndromic genetic deafness. Identifiers: Orphanet 87884, MedGen C5680182, MONDO:0019497.
Autosomal recessive nonsyndromic hearing loss 1A (DFNB1A). Also called: Connexin 26 deafness; Deafness nonsyndromic, Connexin 26 linked; GJB6-Related DFNB 1 Nonsyndromic Hearing Loss and Deafness; Deafness, autosomal recessive 1A; Nonsyndromic Hearing Loss and Deafness, DFNB1; GJB2-Related Autosomal Recessive Nonsyndromic Hearing Loss. Identifiers: Orphanet 90636, MedGen C2673759, MONDO:0009076, OMIM 220290.
Ichthyosis, hystrix-like, with hearing loss. Also called: Hystrix-like ichthyosis with deafness. Identifiers: Orphanet 477, MedGen C1865234, MONDO:0011245.
Autosomal dominant nonsyndromic hearing loss 3A. Identifiers: Orphanet 90635, MedGen C2675750, MONDO:0011103, OMIM 601544.
Autosomal dominant keratitis-ichthyosis-hearing loss syndrome. Also called: Senter syndrome; KID SYNDROME, AUTOSOMAL DOMINANT; HID SYNDROME. Identifiers: Orphanet 477, MedGen C0265336, MONDO:0007850, OMIM 148210.

Allele frequency attached by ClinVar (database versions not stated): ExAC 0.00053; 1000 Genomes Project 0.00060; gnomAD exomes 0.00065 and 0.00056; 1000 Genomes Project 30x 0.00078; gnomAD 0.00101 and 0.00107; TOPMed 0.00120; ESP Exome Variant Server 0.00077.
gnomAD v4.1: 1,129 of 1,614,054 alleles (0.07%); highest among the groups gnomAD compares: Middle Eastern, 0.26%; 1 homozygote.

Submissions 1 to 11 of 23:

Labcorp Genetics (formerly Invitae), Labcorp
Classification: Likely benign. Last evaluated: 2026-01-21. Review status: criteria provided, single submitter. Criteria: Invitae Variant Classification Sherloc (09022015). Collection method: clinical testing. Allele origin: germline.

Mayo Clinic Laboratories, Mayo Clinic
Classification: Uncertain significance. Last evaluated: 2025-08-12. Review status: criteria provided, single submitter. Criteria: ACMG Guidelines, 2015. Collection method: clinical testing. Allele origin: germline. Observed: 2 variant alleles.
Comment: BS1_supporting, PP3

GeneDx
Classification: Uncertain significance. Last evaluated: 2025-08-07. Review status: criteria provided, single submitter. Criteria: GeneDx Variant Classification Process June 2021. Collection method: clinical testing. Allele origin: germline. Affected: yes.
Comment: Observed in the heterozygous state with no other pathogenic GJB2 variant in many patients with hearing loss in published literature (PMID: 12189487, 14722929, 17041943, 19125024); Variant does not have significant effects on gap junction communication in vitro (PMID: 19230829) and has been considered a benign polymorphism (PMID: 19043807, 12172392); In silico analysis supports that this missense variant has a deleterious effect on protein structure/function; This variant is associated with the following publications: (PMID: 12172392, 27153395, 16222667, 17660464, 22567861, 17426645, 9600457, 25388846, 25266519, 19043807, 17041943, 12172394, 15365987, 14722929, 19125024, 26043044, 19887791, 24529908, 30245029, 22103400, 16380907, 11313763, 21162657, 33096615, 31992338, 31620696, 31569309, 34338889, 27785406, 12189487, 15070423, 36579563, 22695344, 36048236, 24737404, 30466042, 19230829, 36597107, 19371219, 21366436, 36672810, 19235794, 17666888, 15832357, 39595064, 24158611, 39988971)

Women's Health and Genetics/Laboratory Corporation of America, LabCorp
Classification: Likely benign. Last evaluated: 2025-04-22. Review status: criteria provided, single submitter. Criteria: LabCorp Variant Classification Summary - May 2015. Collection method: clinical testing. Allele origin: germline.
Comment: Variant summary: GJB2 c.478G>A (p.Gly160Ser) results in a non-conservative amino acid change located in the cysteine-rich domain (IPR019570) of the encoded protein sequence. Five of five in-silico tools predict a damaging effect of the variant on protein function. The variant allele was found at a frequency of 0.00056 in 259196 control chromosomes, predominantly at a frequency of 0.0023 within the African or African-American subpopulation in the gnomAD database. This frequency is about 85-fold higher than the estimated maximum for a pathogenic variant in GJB2 causing Autosomal Dominant Non-Syndromic Hearing Loss (NSHL) (0.0022 vs. 2.5E-05), that rules out the dominant inheritance mode for the variant. However, this frequency is not higher than expected for a pathogenic variant in GJB2 causing Autosomal Recessive NSHL (0.0023 vs. 0.025), allowing no conclusion about variant significance for the recessive mode of inheritance. c.478G>A has been observed in individual(s) affected with Autosomal Recessive Non-Syndromic Hearing Losshowever in most of these cases there was no second allele identified, and in some cases the variant was also mentioned to be present in heterozygosity in unaffected family member (e.g. Wu 2002, Janecke 2002, Gasmelseed 2004, Azaiez 2004, Cheng 2005, Tang 2006, Primignani 2009, Ji 2011, Koohiyan_2019, Ozylmaz_2019, Abtahi_2020); therefore these reports do not indicate a pathogenic role for the variant. In a few cases the variant was found in compound heterozygosity with a (potentially) pathogenic allele in patients; however, the phase of the variants was not confirmed by parental testing (Snoeckx 2005, Zhang 2011, Yu_2020). Moreover, the variant was also found in a compound heterozygote (V37I/G160S) with normal hearing (Roux 2004), arguing against its pathogenicity. At least two NSHL patients, homozygous for the common disease variant c.235delC, were reported to also carry the variant of interest, indicating the variant to be in the benign spectrum (Jiang 2014, Zheng 2015). To our knowledge, no experimental evidence demonstrating an impact on protein function has been reported. The following publications have been ascertained in the context of this evaluation (PMID: 15070423, 17041943, 15365987, 16380907, 14722929, 17426645, 12172394, 12189487, 22695344, 16222667, 9600457, 19371219, 17666888, 19043807, 22103400, 21162657, 19235794, 21366436, 19125024, 31992338, 15832357, 26043044, 24737404, 30245029, 30466042, 31569309, 31620696). ClinVar contains an entry for this variant (Variation ID: 44755). Based on the evidence outlined above, the variant was classified as likely benign.

Athena Diagnostics
Classification: Likely benign. Last evaluated: 2024-11-08. Review status: criteria provided, single submitter. Criteria: Athena Diagnostics Criteria. Collection method: clinical testing. Allele origin: unknown.

Blueprint Genetics
Classification: Likely benign. Last evaluated: 2024-09-24. Review status: criteria provided, single submitter. Criteria: ACMG Guidelines, 2015. Collection method: clinical testing. Allele origin: germline.

Genome-Nilou Lab
Classification: Uncertain significance for Autosomal dominant nonsyndromic hearing loss 3A. Last evaluated: 2021-07-14. Review status: criteria provided, single submitter. Criteria: ACMG Guidelines, 2015. Collection method: clinical testing. Allele origin: germline. Affected: no.

Genome-Nilou Lab
Classification: Uncertain significance for Autosomal recessive nonsyndromic hearing loss 1A. Last evaluated: 2021-07-14. Review status: criteria provided, single submitter. Criteria: ACMG Guidelines, 2015. Collection method: clinical testing. Allele origin: germline. Affected: no.

Genome-Nilou Lab
Classification: Uncertain significance for Autosomal dominant keratitis-ichthyosis-hearing loss syndrome. Last evaluated: 2021-07-14. Review status: criteria provided, single submitter. Criteria: ACMG Guidelines, 2015. Collection method: clinical testing. Allele origin: germline. Affected: no.

Genome-Nilou Lab
Classification: Uncertain significance for Autosomal dominant keratitis-ichthyosis-hearing loss syndrome. Last evaluated: 2021-07-14. Review status: criteria provided, single submitter. Criteria: ACMG Guidelines, 2015. Collection method: clinical testing. Allele origin: germline. Affected: no.

INGEBI, INGEBI / CONICET
Classification: Likely benign for Nonsyndromic hearing loss and deafness. Last evaluated: 2020-08-31. Review status: criteria provided, single submitter. Criteria: ClinGen HL ACMG Specifications v1. Collection method: clinical testing. Allele origin: germline. Inheritance: Autosomal recessive inheritance. Affected: yes. Observed: 3 variant alleles, 3 heterozygotes. Clinical features observed: Prelingual moderate to profound hearing loss.
Comment: Based on ACMG/AMP guidelines and Hearing Loss Expert Panel specific criteria: the filter allele frequency of c.478G>A, p.(Gly160Ser) is 0,17% (55/24922 African alleles with 95% CI) from Genome Aggregation Database (calculated by using inverse allele frequency at an online resource), which meets the BS1_Supporting criteria. Computational analysis predicted a damage impact of the mutation to the protein (REVELscore:0.767) meeting PP3 rule. The p.(Gly160Ser) change has been identified in heterozygous state in several hearing loss individuals among different ethnic groups (PMID: 24158611, 21162657, 24529908, 19371219, 19125024, 17660464, 16222667, 15070423). The second case is composed of three affected family members: mother and her two daughters. The mother carried p.(Gly160Ser) and her two daughters were not available for the study (PMID: 12189487). Hence, the evidence provided was not enough to apply PP1 rule and was not counted. Besides, this variant has been found in cis with a known pathogenic variant in two unrelated patients (PMID: 22103400) meeting BP2 criteria. Finally, p.(Gly160Ser) change was found with p.Val37Ile and c.35delG in two patients but phase unknown applying to PM3 rule. In summary, this variant meets criteria to be classified as likely benign for autosomal recessive non-syndromic hearing loss (BS1_Supporting, PP3, BP2 and PM3)